The following is an entry in ClinVar:

NM_138576.4(BCL11B):c.2352C>T (p.Pro784=)

Gene: BCL11B (BCL11 transcription factor B; minus strand). Cytogenetic location: 14q32.2.
Variant type: single nucleotide variant.
Coding change: c.2352C>T on transcript NM_138576.4 (MANE Select); coding-DNA position 2352, C replaced by T.
Protein change: p.Pro784=; no amino-acid change (proline 784 retained).
Molecular consequence: synonymous variant.
Genome position (GRCh38, 1-based): chr14:99,174,484, G>A on the plus strand (C>T on the coding strand, the complement: BCL11B is on the minus strand). VCF-style: chr14-99174484-G-A. GRCh37 (hg19) VCF-style: chr14-99640821-G-A.
Other names: c.2349C>T, p.Pro783= (NM_001282237.2); c.2136C>T, p.Pro712= (NM_001282238.2); c.2139C>T, p.Pro713= (NM_022898.3).
Identifiers: ClinVar variation 2069458 (VCV002069458.11), dbSNP rs1311997494, ClinGen allele CA488173829.

ClinVar aggregate classification (germline): Likely benign. Review status: criteria provided, multiple submitters, no conflicts (2 of 4 stars). 2 submissions from 2 submitters: Likely benign (2). Last evaluated 2025-03-01.

gnomAD v4.1: 3 of 1,572,478 alleles (0.00019%); highest among the groups gnomAD compares: East Asian, 0.0024%; no homozygotes.

Submissions (2):

CeGaT Center for Human Genetics Tuebingen
Classification: Likely benign. Last evaluated: 2025-03-01. Review status: criteria provided, single submitter. Criteria: CeGaT Center For Human Genetics Tuebingen Variant Classification Criteria Version 2. Collection method: clinical testing. Allele origin: germline. Affected: yes. Observed: 1 variant allele.
Comment: BCL11B: BP4, BP7

Labcorp Genetics (formerly Invitae), Labcorp
Classification: Likely benign. Last evaluated: 2025-02-11. Review status: criteria provided, single submitter. Criteria: Invitae Variant Classification Sherloc (09022015). Collection method: clinical testing. Allele origin: germline.